The following is an entry in ClinVar:

ClinVar aggregate classification (germline): Likely pathogenic (1 of 4 stars; one submission).

Conditions:
Neutropenia, severe congenital, 1, autosomal dominant. Identifiers: MedGen C1859966, MONDO:0042490, OMIM 202700.
Cyclical neutropenia. Also called: Cyclic hematopoiesis; Cyclic Neutropenia. Identifiers: Orphanet 2686, MedGen C0221023, MONDO:0008090, OMIM 162800, HP:0040289. Disease mechanism: loss of function.

Submission:

Labcorp Genetics (formerly Invitae), Labcorp
Classification: Likely pathogenic for Neutropenia, severe congenital, 1, autosomal dominant; Cyclical neutropenia. Last evaluated: 2025-03-27. Review status: criteria provided, single submitter. Criteria: Invitae Variant Classification Sherloc (09022015). Collection method: clinical testing. Allele origin: germline.
Comment: This sequence change replaces histidine, which is basic and polar, with arginine, which is basic and polar, at codon 53 of the ELANE protein (p.His53Arg). This variant is not present in population databases (gnomAD no frequency). This missense change has been observed in individual(s) with severe congenital neutropenia (PMID: 33411156). Invitae Evidence Modeling of protein sequence and biophysical properties (such as structural, functional, and spatial information, amino acid conservation, physicochemical variation, residue mobility, and thermodynamic stability) indicates that this missense variant is expected to disrupt ELANE protein function with a positive predictive value of 95%. This variant disrupts the p.His53 amino acid residue in ELANE. Other variant(s) that disrupt this residue have been observed in individuals with ELANE-related conditions (PMID: 14962902, 19036076, 23463630), which suggests that this may be a clinically significant amino acid residue. In summary, the currently available evidence indicates that the variant is pathogenic, but additional data are needed to prove that conclusively. Therefore, this variant has been classified as Likely Pathogenic.

Literature cited by the submitters: PubMed 33411156; PubMed 14962902; PubMed 19036076; PubMed 23463630.

NM_001972.4(ELANE):c.158A>G (p.His53Arg)

Gene: ELANE (elastase, neutrophil expressed; plus strand). Cytogenetic location: 19p13.3.
Variant type: single nucleotide variant.
Coding change: c.158A>G on transcript NM_001972.4 (MANE Select); coding-DNA position 158, A replaced by G.
Protein change: p.His53Arg; replaces histidine 53 with arginine.
Molecular consequence: missense variant.
Genome position (GRCh38, 1-based): chr19:852,966, A>G. VCF-style: chr19-852966-A-G. GRCh37 (hg19) VCF-style: chr19-852966-A-G.
Other names: short protein forms H53R.
Identifiers: ClinVar variation 4791953 (VCV004791953.1).